The following is an entry in ClinVar:

NM_007194.4(CHEK2):c.500G>C (p.Gly167Ala)

Gene: CHEK2 (checkpoint kinase 2; minus strand). Cytogenetic location: 22q12.1.
Variant type: single nucleotide variant.
Coding change: c.500G>C on transcript NM_007194.4 (MANE Select); coding-DNA position 500, G replaced by C.
Protein change: p.Gly167Ala; replaces glycine 167 with alanine.
Molecular consequence: missense variant. On other transcripts: 5 prime UTR variant (2), intron variant (1).
Genome position (GRCh38, 1-based): chr22:28,725,069, C>G on the plus strand (G>C on the coding strand, the complement: CHEK2 is on the minus strand). VCF-style: chr22-28725069-C-G. GRCh37 (hg19) VCF-style: chr22-29121057-C-G.
Other names: c.629G>C, p.Gly210Ala (NM_001005735.3, NM_001438294.1); c.-278G>C (NM_001257387.3); c.-164G>C (NM_001437942.1); c.593G>C, p.Gly198Ala (NM_001438293.1, NM_001438295.1); c.500G>C, p.Gly167Ala (NM_145862.3); c.445-146G>C (NM_001349956.3); short protein forms G210A, G167A, G198A.
Identifiers: ClinVar variation 4737665 (VCV004737665.1).

ClinVar aggregate classification (germline): Uncertain significance (1 of 4 stars; one submission).

Conditions:
Familial cancer of breast. Also called: hereditary breast carcinoma; BREAST CANCER, FAMILIAL; Hereditary breast cancer. Identifiers: Orphanet 227535, MedGen C0346153, MONDO:0016419, OMIM 114480. Disease mechanism: loss of function.

Submission:

Labcorp Genetics (formerly Invitae), Labcorp
Classification: Uncertain significance for Familial cancer of breast. Last evaluated: 2025-07-27. Review status: criteria provided, single submitter. Criteria: Invitae Variant Classification Sherloc (09022015). Collection method: clinical testing. Allele origin: germline.
Comment: This sequence change replaces glycine, which is neutral and non-polar, with alanine, which is neutral and non-polar, at codon 167 of the CHEK2 protein (p.Gly167Ala). This variant is not present in population databases (gnomAD no frequency). This missense change has been observed in individual(s) with breast cancer (PMID: 15095295). An algorithm developed to predict the effect of missense changes on protein structure and function (PolyPhen-2) suggests that this variant is likely to be disruptive. This variant disrupts the p.Gly167 amino acid residue in CHEK2. Other variant(s) that disrupt this residue have been determined to be pathogenic (PMID: 15095295, 22419737, 25452411, 25503501, 26976419, 27616075, 34903604, 36468172; internal data). This suggests that this residue is clinically significant, and that variants that disrupt this residue are likely to be disease-causing. In summary, the available evidence is currently insufficient to determine the role of this variant in disease. Therefore, it has been classified as a Variant of Uncertain Significance.

Literature cited by the submitters: PubMed 15095295; PubMed 22419737; PubMed 25452411; PubMed 25503501; PubMed 26976419; PubMed 27616075; PubMed 34903604; PubMed 36468172.